The following is an entry in ClinVar:

ClinVar aggregate classification (germline): Likely benign (1 of 4 stars; one submission).

Submission:

CeGaT Center for Human Genetics Tuebingen
Classification: Likely benign. Last evaluated: 2026-06-01. Review status: criteria provided, single submitter. Criteria: CeGaT Center For Human Genetics Tuebingen Variant Classification Criteria Version 2. Collection method: clinical testing. Allele origin: germline. Affected: yes. Observed: 1 variant allele.
Comment: RBM20: PM2:Supporting, BP4, BP7

NM_001134363.3(RBM20):c.1338T>C (p.Asn446=)

Gene: RBM20 (RNA binding motif protein 20; plus strand). Cytogenetic location: 10q25.2.
Variant type: single nucleotide variant.
Coding change: c.1338T>C on transcript NM_001134363.3 (MANE Select); coding-DNA position 1338, T replaced by C.
Protein change: p.Asn446=; no amino-acid change (asparagine 446 retained).
Molecular consequence: synonymous variant.
Genome position (GRCh38, 1-based): chr10:110,784,341, T>C. VCF-style: chr10-110784341-T-C. GRCh37 (hg19) VCF-style: chr10-112544099-T-C.
Identifiers: ClinVar variation 4873709 (VCV004873709.2).